The following is an entry in ClinVar:

NM_015570.4(AUTS2):c.2322G>T (p.Met774Ile)

Gene: AUTS2 (activator of transcription and developmental regulator AUTS2; plus strand). Cytogenetic location: 7q11.22.
Variant type: single nucleotide variant.
Coding change: c.2322G>T on transcript NM_015570.4 (MANE Select); coding-DNA position 2322, G replaced by T.
Protein change: p.Met774Ile; replaces methionine 774 with isoleucine.
Molecular consequence: missense variant.
Genome position (GRCh38, 1-based): chr7:70,787,222, G>T. VCF-style: chr7-70787222-G-T. GRCh37 (hg19) VCF-style: chr7-70252208-G-T.
Other names: c.2250G>T, p.Met750Ile (NM_001127231.3); short protein forms M774I, M750I.
Identifiers: ClinVar variation 4741789 (VCV004741789.1).

ClinVar aggregate classification (germline): Uncertain significance (1 of 4 stars; one submission).

gnomAD v4.1: 3 of 1,614,166 alleles (0.00019%); highest among the groups gnomAD compares: Non-Finnish European, 0.00025%; no homozygotes.

Submission:

Labcorp Genetics (formerly Invitae), Labcorp
Classification: Uncertain significance. Last evaluated: 2025-06-22. Review status: criteria provided, single submitter. Criteria: Invitae Variant Classification Sherloc (09022015). Collection method: clinical testing. Allele origin: germline.
Comment: This sequence change replaces methionine, which is neutral and non-polar, with isoleucine, which is neutral and non-polar, at codon 774 of the AUTS2 protein (p.Met774Ile). This variant is not present in population databases (gnomAD no frequency). This variant has not been reported in the literature in individuals affected with AUTS2-related conditions. Invitae Evidence Modeling of protein sequence and biophysical properties (such as structural, functional, and spatial information, amino acid conservation, physicochemical variation, residue mobility, and thermodynamic stability) indicates that this missense variant is not expected to disrupt AUTS2 protein function with a negative predictive value of 80%. In summary, the available evidence is currently insufficient to determine the role of this variant in disease. Therefore, it has been classified as a Variant of Uncertain Significance.